The following is an entry in ClinVar:

NM_153026.3(PRICKLE1):c.2431G>A (p.Gly811Ser)

Gene: PRICKLE1 (prickle planar cell polarity protein 1; minus strand). Cytogenetic location: 12q12.
Variant type: single nucleotide variant.
Coding change: c.2431G>A on transcript NM_153026.3 (MANE Select); coding-DNA position 2431, G replaced by A.
Protein change: p.Gly811Ser; replaces glycine 811 with serine.
Molecular consequence: missense variant.
Genome position (GRCh38, 1-based): chr12:42,459,874, C>T on the plus strand (G>A on the coding strand, the complement: PRICKLE1 is on the minus strand). VCF-style: chr12-42459874-C-T. GRCh37 (hg19) VCF-style: chr12-42853676-C-T.
Other names: c.2431G>A, p.Gly811Ser (NM_001144881.2, NM_001144882.2, NM_001144883.2); short protein forms G811S.
Identifiers: ClinVar variation 537239 (VCV000537239.10), dbSNP rs751446088, ClinGen allele CA6519598.

ClinVar aggregate classification (germline): Uncertain significance (1 of 4 stars; one submission).

Conditions:
Epilepsy, progressive myoclonic, 1B. Also called: PME. Identifiers: Orphanet 308, MedGen C2676254, MONDO:0012904, OMIM 612437.

Allele frequency attached by ClinVar (database versions not stated): TOPMed below 0.00001; ExAC 0.00001; gnomAD exomes 0.00001.
gnomAD v4.1: 2 of 1,613,926 alleles (0.00012%); highest among the groups gnomAD compares: Admixed American, 0.0033%; no homozygotes.

Submission:

Labcorp Genetics (formerly Invitae), Labcorp
Classification: Uncertain significance for Epilepsy, progressive myoclonic, 1B. Last evaluated: 2022-07-16. Review status: criteria provided, single submitter. Criteria: Invitae Variant Classification Sherloc (09022015). Collection method: clinical testing. Allele origin: germline.
Comment: In summary, the available evidence is currently insufficient to determine the role of this variant in disease. Therefore, it has been classified as a Variant of Uncertain Significance. Algorithms developed to predict the effect of sequence changes on RNA splicing suggest that this variant may create or strengthen a splice site. Algorithms developed to predict the effect of missense changes on protein structure and function output the following: SIFT: "Tolerated"; PolyPhen-2: "Benign"; Align-GVGD: "Class C0". The serine amino acid residue is found in multiple mammalian species, which suggests that this missense change does not adversely affect protein function. ClinVar contains an entry for this variant (Variation ID: 537239). This variant has not been reported in the literature in individuals affected with PRICKLE1-related conditions. This variant is present in population databases (rs751446088, gnomAD 0.006%). This sequence change replaces glycine, which is neutral and non-polar, with serine, which is neutral and polar, at codon 811 of the PRICKLE1 protein (p.Gly811Ser).